The following is an entry in ClinVar:

NM_001048174.2(MUTYH):c.867_868del (p.Leu290fs)

Gene: MUTYH (mutY DNA glycosylase; minus strand). Cytogenetic location: 1p34.1.
Variant type: Microsatellite.
Coding change: c.867_868del on transcript NM_001048174.2 (MANE Select); coding-DNA positions 867 to 868, 2 bases deleted (CT; older notation c.867_868delCT).
Protein change: p.Leu290fs; shifts the reading frame from leucine 290.
Molecular consequence: frameshift variant. On other transcripts: non-coding transcript variant (2).
Genome position (GRCh38, 1-based): chr1:45,332,068-45,332,069, AG deleted on the plus strand (CT on the coding strand, the reverse complement: MUTYH is on the minus strand); deleting any 2 consecutive bases within chr1:45,332,068-45,332,071 gives the same sequence; the c. name uses the placement nearest the transcript's 3' end. VCF-style (leftmost placement, unchanged base first): chr1-45332067-AAG-A. GRCh37 (hg19) VCF-style: chr1-45797739-AAG-A.
Other names: c.867_868del, p.Leu290fs (NM_001048171.2, NM_001048173.2, NM_001293195.2); c.870_871del, p.Leu291fs (NM_001048172.2); c.951_952del, p.Leu318fs (NM_001128425.2); c.912_913del, p.Leu305fs (NM_001293190.2); c.900_901del, p.Leu301fs (NM_001293191.2); c.591_592del, p.Leu198fs (NM_001293192.2, NM_001293196.2); c.522_523del, p.Leu175fs (NM_001350650.2, NM_001350651.2); c.942_943del, p.Leu315fs (NM_012222.3); short protein forms L175fs, L198fs, L290fs, L291fs, L301fs, L305fs, L315fs, L318fs.
Identifiers: ClinVar variation 1177251 (VCV001177251.1), dbSNP rs2149134563, ClinGen allele CA2580611181.

ClinVar aggregate classification (germline): Likely pathogenic (1 of 4 stars; one submission).

Conditions:
Familial adenomatous polyposis 2. Also called: COLORECTAL ADENOMATOUS POLYPOSIS, AUTOSOMAL RECESSIVE; ADENOMAS, MULTIPLE COLORECTAL, AUTOSOMAL RECESSIVE; MUTYH Polyposis; MUTYH-related attenuated familial adenomatous polyposis; Adenomas, multiple colorectal; FAP type 2. Identifiers: Orphanet 220460, Orphanet 247798, MedGen C3272841, MONDO:0012041, OMIM 608456.

Submission:

Women's Health and Genetics/Laboratory Corporation of America, LabCorp
Classification: Likely pathogenic for Familial adenomatous polyposis 2. Last evaluated: 2021-06-21. Review status: criteria provided, single submitter. Criteria: LabCorp Variant Classification Summary - May 2015. Collection method: clinical testing. Allele origin: germline.
Comment: Variant summary: MUTYH c.951_952delCT (p.Leu318SerfsX10) results in a premature termination codon, predicted to cause a truncation of the encoded protein or absence of the protein due to nonsense mediated decay, which are commonly known mechanisms for disease. Truncations downstream of this position have been classified as pathogenic by our laboratory. The variant was absent in 251468 control chromosomes. To our knowledge, no occurrence of c.951_952delCT in individuals affected with MUTYH-Associated Polyposis and no experimental evidence demonstrating its impact on protein function have been reported. No clinical diagnostic laboratories have submitted clinical-significance assessments for this variant to ClinVar after 2014. Based on the evidence outlined above, the variant was classified as likely pathogenic.